The following is an entry in ClinVar:

NM_006648.4(WNK2):c.5413G>T (p.Val1805Leu)

Gene: WNK2 (WNK lysine deficient protein kinase 2; plus strand). Cytogenetic location: 9q22.31.
Variant type: single nucleotide variant.
Coding change: c.5413G>T on transcript NM_006648.4 (MANE Select); coding-DNA position 5413, G replaced by T.
Protein change: p.Val1805Leu; replaces valine 1805 with leucine.
Molecular consequence: missense variant.
Genome position (GRCh38, 1-based): chr9:93,292,878, G>T. VCF-style: chr9-93292878-G-T. GRCh37 (hg19) VCF-style: chr9-96055160-G-T.
Other names: c.5524G>T, p.Val1842Leu (NM_001282394.3); short protein forms V1842L, V1805L.
Identifiers: ClinVar variation 3981955 (VCV003981955.1).

ClinVar aggregate classification (germline): Uncertain significance (1 of 4 stars; one submission).

Submission:

Ambry Genetics
Classification: Uncertain significance. Last evaluated: 2025-04-28. Review status: criteria provided, single submitter. Criteria: Ambry Variant Classification Scheme 2023. Collection method: clinical testing. Allele origin: germline.
Comment: The p.V1805L variant (also known as c.5413G>T), located in coding exon 22 of the WNK2 gene, results from a G to T substitution at nucleotide position 5413. The valine at codon 1805 is replaced by leucine, an amino acid with highly similar properties. This amino acid position is conserved. In addition, this alteration is predicted to be tolerated by in silico analysis. Based on the available evidence, the clinical significance of this variant remains unclear.